The following is an entry in ClinVar:

NM_005546.4(ITK):c.1015T>A (p.Cys339Ser)

Gene: ITK (IL2 inducible T cell kinase; plus strand). Cytogenetic location: 5q33.3.
Variant type: single nucleotide variant.
Coding change: c.1015T>A on transcript NM_005546.4 (MANE Select); coding-DNA position 1015, T replaced by A.
Protein change: p.Cys339Ser; replaces cysteine 339 with serine.
Molecular consequence: missense variant.
Genome position (GRCh38, 1-based): chr5:157,241,675, T>A. VCF-style: chr5-157241675-T-A. GRCh37 (hg19) VCF-style: chr5-156668685-T-A.
Other names: short protein forms C339S.
Identifiers: ClinVar variation 4801563 (VCV004801563.1).

ClinVar aggregate classification (germline): Uncertain significance (1 of 4 stars; one submission).

Conditions:
Lymphoproliferative syndrome 1 (LPFS1). Identifiers: Orphanet 238505, Orphanet 538963, MedGen C3552634, MONDO:0013081, OMIM 613011.

Submission:

Labcorp Genetics (formerly Invitae), Labcorp
Classification: Uncertain significance for Lymphoproliferative syndrome 1. Last evaluated: 2025-04-12. Review status: criteria provided, single submitter. Criteria: Invitae Variant Classification Sherloc (09022015). Collection method: clinical testing. Allele origin: germline.
Comment: This sequence change replaces cysteine, which is neutral and slightly polar, with serine, which is neutral and polar, at codon 339 of the ITK protein (p.Cys339Ser). This variant is not present in population databases (gnomAD no frequency). This variant has not been reported in the literature in individuals affected with ITK-related conditions. Invitae Evidence Modeling of protein sequence and biophysical properties (such as structural, functional, and spatial information, amino acid conservation, physicochemical variation, residue mobility, and thermodynamic stability) indicates that this missense variant is not expected to disrupt ITK protein function with a negative predictive value of 95%. Algorithms developed to predict the effect of sequence changes on RNA splicing suggest that this variant may disrupt the consensus splice site. In summary, the available evidence is currently insufficient to determine the role of this variant in disease. Therefore, it has been classified as a Variant of Uncertain Significance.